The following is an entry in ClinVar:

ClinVar aggregate classification (germline): Uncertain significance (1 of 4 stars; one submission).

Conditions:
Long QT syndrome (LQTS). Identifiers: MedGen C0023976, MeSH D008133, MONDO:0002442. Disease mechanism: loss of function. Inheritance: Various modes of inheritance.

Allele frequency attached by ClinVar (database versions not stated): TOPMed below 0.00001; ExAC 0.00001; gnomAD exomes 0.00001.

Submission:

Labcorp Genetics (formerly Invitae), Labcorp
Classification: Uncertain significance for Long QT syndrome. Last evaluated: 2025-12-01. Review status: criteria provided, single submitter. Criteria: Invitae Variant Classification Sherloc (09022015). Collection method: clinical testing. Allele origin: germline.
Comment: This sequence change replaces serine, which is neutral and polar, with asparagine, which is neutral and polar, at codon 1057 of the KCNH2 protein (p.Ser1057Asn). This variant is present in population databases (rs765524161, gnomAD 0.006%). This variant has not been reported in the literature in individuals affected with KCNH2-related conditions. ClinVar contains an entry for this variant (Variation ID: 1022238). An algorithm developed to predict the effect of missense changes on protein structure and function (PolyPhen-2) suggests that this variant is likely to be disruptive. In summary, the available evidence is currently insufficient to determine the role of this variant in disease. Therefore, it has been classified as a Variant of Uncertain Significance.

NM_000238.4(KCNH2):c.3170G>A (p.Ser1057Asn)

Gene: KCNH2 (potassium voltage-gated channel subfamily H member 2; minus strand). Cytogenetic location: 7q36.1.
Variant type: single nucleotide variant.
Coding change: c.3170G>A on transcript NM_000238.4 (MANE Select); coding-DNA position 3170, G replaced by A.
Protein change: p.Ser1057Asn; replaces serine 1057 with asparagine.
Molecular consequence: missense variant.
Genome position (GRCh38, 1-based): chr7:150,947,037, C>T on the plus strand (G>A on the coding strand, the complement: KCNH2 is on the minus strand). VCF-style: chr7-150947037-C-T. GRCh37 (hg19) VCF-style: chr7-150644125-C-T.
Other names: c.2150G>A, p.Ser717Asn (NM_172057.3); short protein forms S1057N, S717N.
Identifiers: ClinVar variation 1022238 (VCV001022238.9), dbSNP rs765524161, ClinGen allele CA037703.